The following is an entry in ClinVar:

ClinVar aggregate classification (germline): Uncertain significance. Review status: criteria provided, multiple submitters, no conflicts (2 of 4 stars). 2 submissions from 2 submitters: Uncertain significance (2). Last evaluated 2026-01-14.

Conditions:
Ataxia-telangiectasia syndrome (AT). Also called: Ataxia-telangiectasia, complementation group E; Ataxia telangiectasia (A-T); LOUIS-BAR SYNDROME; Ataxia-telangiectasia, complementation group D; AT, COMPLEMENTATION GROUP C; Ataxia-telangiectasia. Identifiers: Orphanet 100, MedGen C0004135, MONDO:0008840, OMIM 208900.

Submissions (2):

Labcorp Genetics (formerly Invitae), Labcorp
Classification: Uncertain significance for Ataxia-telangiectasia syndrome. Last evaluated: 2026-01-14. Review status: criteria provided, single submitter. Criteria: Invitae Variant Classification Sherloc (09022015). Collection method: clinical testing. Allele origin: germline.
Comment: This sequence change replaces cysteine, which is neutral and slightly polar, with tyrosine, which is neutral and polar, at codon 1502 of the ATM protein (p.Cys1502Tyr). This variant is not present in population databases (gnomAD no frequency). This variant has not been reported in the literature in individuals affected with ATM-related conditions. ClinVar contains an entry for this variant (Variation ID: 835058). Invitae Evidence Modeling of protein sequence and biophysical properties (such as structural, functional, and spatial information, amino acid conservation, physicochemical variation, residue mobility, and thermodynamic stability) has been performed for this missense variant. However, the output from this modeling did not meet the statistical confidence thresholds required to predict the impact of this variant on ATM protein function. In summary, the available evidence is currently insufficient to determine the role of this variant in disease. Therefore, it has been classified as a Variant of Uncertain Significance.

Molecular Pathology, Peter Maccallum Cancer Centre
Classification: Uncertain significance for Ataxia-telangiectasia syndrome. Last evaluated: 2025-03-11. Review status: criteria provided, single submitter. Criteria: ACMG Guidelines, 2015. Collection method: clinical testing. Allele origin: germline. Inheritance: Autosomal recessive inheritance.

NM_000051.4(ATM):c.4505G>A (p.Cys1502Tyr)

Gene: ATM (ATM serine/threonine kinase; plus strand). Cytogenetic location: 11q22.3.
Variant type: single nucleotide variant.
Coding change: c.4505G>A on transcript NM_000051.4 (MANE Select); coding-DNA position 4505, G replaced by A.
Protein change: p.Cys1502Tyr; replaces cysteine 1502 with tyrosine.
Molecular consequence: missense variant.
Genome position (GRCh38, 1-based): chr11:108,292,687, G>A. VCF-style: chr11-108292687-G-A. GRCh37 (hg19) VCF-style: chr11-108163414-G-A.
Other names: c.4505G>A, p.Cys1502Tyr (NM_001351834.2); short protein forms C1502Y.
Identifiers: ClinVar variation 835058 (VCV000835058.9), dbSNP rs759340881, ClinGen allele CA382533535.
Genomic context (GRCh38, chr11:108,292,687, plus strand): 5'-GTATCATGGATGTGTCATTACGTAGCTTCTCCCTTTGTTGTGACTTATTAAGTCAGGTTT[G>A]CCAGACAGCCGTGACTTACTGTAAGGATGCTCTAGAAAACCATCTTCATGTTATTGTTGG-3'
Protein context (NP_000042.3, residues 1492-1512): SLCCDLLSQV[Cys1502Tyr]QTAVTYCKDA